The following is an entry in ClinVar:

ClinVar aggregate classification (germline): Uncertain significance (1 of 4 stars; one submission).

Conditions:
Idiopathic generalized epilepsy. Also called: EIG; Generalised epilepsy. Identifiers: MedGen C0270850, MONDO:0005579, OMIM 600669.
Hyperaldosteronism, familial, type IV (HALD4). Also called: FH IV; ALDOSTERONISM, PRIMARY, AND HYPERTENSION. Identifiers: Orphanet 642671, MedGen C4310756, MONDO:0014875, OMIM 617027.

Allele frequency attached by ClinVar (database versions not stated): TOPMed 0.00001.
gnomAD v4.1: 9 of 1,612,516 alleles (0.00056%); highest among the groups gnomAD compares: Admixed American, 0.0017%; no homozygotes.

Submission:

Labcorp Genetics (formerly Invitae), Labcorp
Classification: Uncertain significance for Idiopathic generalized epilepsy; Hyperaldosteronism, familial, type IV. Last evaluated: 2023-11-24. Review status: criteria provided, single submitter. Criteria: Invitae Variant Classification Sherloc (09022015). Collection method: clinical testing. Allele origin: germline.
Comment: This sequence change replaces glycine, which is neutral and non-polar, with valine, which is neutral and non-polar, at codon 2274 of the CACNA1H protein (p.Gly2274Val). This variant is not present in population databases (gnomAD no frequency). This variant has not been reported in the literature in individuals affected with CACNA1H-related conditions. Advanced modeling of protein sequence and biophysical properties (such as structural, functional, and spatial information, amino acid conservation, physicochemical variation, residue mobility, and thermodynamic stability) performed at Invitae indicates that this missense variant is not expected to disrupt CACNA1H protein function with a negative predictive value of 95%. In summary, the available evidence is currently insufficient to determine the role of this variant in disease. Therefore, it has been classified as a Variant of Uncertain Significance.

NM_021098.3(CACNA1H):c.6821G>T (p.Gly2274Val)

Gene: CACNA1H (calcium voltage-gated channel subunit alpha1 H; plus strand). Cytogenetic location: 16p13.3.
Variant type: single nucleotide variant.
Coding change: c.6821G>T on transcript NM_021098.3 (MANE Select); coding-DNA position 6821, G replaced by T.
Protein change: p.Gly2274Val; replaces glycine 2274 with valine.
Molecular consequence: missense variant.
Genome position (GRCh38, 1-based): chr16:1,220,753, G>T. VCF-style: chr16-1220753-G-T. GRCh37 (hg19) VCF-style: chr16-1270753-G-T.
Other names: c.6803G>T, p.Gly2268Val (NM_001005407.2); short protein forms G2268V, G2274V.
Identifiers: ClinVar variation 2940314 (VCV002940314.3), dbSNP rs973323974, ClinGen allele CA276614386.
Genomic context (GRCh38, chr16:1,220,753, plus strand): 5'-CCTCCTGCCGGGCTGAGCACCTGACCGTCCCCAGCTTTGCCTTTGAGCCGCTGGACCTCG[G>T]GGTCCCCAGTGGAGACCCTTTCTTGGACGGTAGCCACAGTGTGACCCCAGAATCCAGAGC-3'
Protein context (NP_066921.2, residues 2264-2284): PSFAFEPLDL[Gly2274Val]VPSGDPFLDG